The following is an entry in ClinVar:

NM_001197104.2(KMT2A):c.8482A>C (p.Asn2828His)

Gene: KMT2A (lysine methyltransferase 2A; plus strand). Cytogenetic location: 11q23.3.
Variant type: single nucleotide variant.
Coding change: c.8482A>C on transcript NM_001197104.2 (MANE Select); coding-DNA position 8482, A replaced by C.
Protein change: p.Asn2828His; replaces asparagine 2828 with histidine.
Molecular consequence: missense variant.
Genome position (GRCh38, 1-based): chr11:118,504,374, A>C. VCF-style: chr11-118504374-A-C. GRCh37 (hg19) VCF-style: chr11-118375089-A-C.
Other names: c.8572A>C, p.Asn2858His (NM_001412597.1); c.8473A>C, p.Asn2825His (NM_005933.4); short protein forms N2858H, N2825H, N2828H.
Identifiers: ClinVar variation 2041630 (VCV002041630.4), dbSNP rs2134398978, ClinGen allele CA382814117.

ClinVar aggregate classification (germline): Uncertain significance (1 of 4 stars; one submission).

gnomAD v4.1: 2 of 1,614,182 alleles (0.00012%); no homozygotes.

Submission:

Labcorp Genetics (formerly Invitae), Labcorp
Classification: Uncertain significance. Last evaluated: 2025-01-06. Review status: criteria provided, single submitter. Criteria: Invitae Variant Classification Sherloc (09022015). Collection method: clinical testing. Allele origin: germline.
Comment: This sequence change replaces asparagine, which is neutral and polar, with histidine, which is basic and polar, at codon 2828 of the KMT2A protein (p.Asn2828His). This variant is not present in population databases (gnomAD no frequency). This variant has not been reported in the literature in individuals affected with KMT2A-related conditions. ClinVar contains an entry for this variant (Variation ID: 2041630). Invitae Evidence Modeling of protein sequence and biophysical properties (such as structural, functional, and spatial information, amino acid conservation, physicochemical variation, residue mobility, and thermodynamic stability) indicates that this missense variant is not expected to disrupt KMT2A protein function with a negative predictive value of 95%. In summary, the available evidence is currently insufficient to determine the role of this variant in disease. Therefore, it has been classified as a Variant of Uncertain Significance.